The following continues an entry in ClinVar:

NM_000094.4(COL7A1):c.1732C>T (p.Arg578Ter)

Gene: COL7A1. ClinVar aggregate classification (germline): Pathogenic. Pathogenic (10).

Submissions 9 to 12 of 12:

Victorian Clinical Genetics Services, Murdoch Childrens Research Institute
Classification: Pathogenic for Recessive dystrophic epidermolysis bullosa. Last evaluated: 2017-08-30. Review status: criteria provided, single submitter. Criteria: ACMG Guidelines, 2015. Collection method: clinical testing. Allele origin: maternal. Inheritance: Autosomal recessive inheritance. Affected: yes. Observed: 2 variant alleles.
Comment: The NM_000094.3(COL7A1):c.1732C>T heterozygous nonsense variant was identified in exon 13 of COL7A1. This nonsense variant creates a stop codon at amino acid position 578, NP_000085.1(COL7A1):p.(Arg578*). This is predicted to result in loss of protein function either through truncation (~75% of the protein, including multiple triple helix repeats) or nonsense-mediated decay. This variant is present in the gnomAD population database at a frequency of 0.004%. It has been previously reported in multiple families with recessive dystrophic epidermolysis bullosa in homozygous or compound heterozygous state (Dunnill et al., (1994), Whittock et al., (1999) and Kern et al., (2006)). In addition, other truncating variants downstream of c.1732C>T in the COL7A1 gene have been reported as pathogenic in individuals with this condition (ClinVar). Based on current information and in association with the NM_000094.3(COL7A1):c.3265C>T nonsense variant, this variant has been classified as PATHOGENIC.

Neuberg Centre For Genomic Medicine, NCGM
Classification: Pathogenic for Recessive dystrophic epidermolysis bullosa. Review status: criteria provided, single submitter. Criteria: ACMG Guidelines, 2015. Collection method: clinical testing. Allele origin: germline. Inheritance: Autosomal recessive inheritance. Affected: yes.
Comment: The stop gained c.1732C>T p.Arg578Ter variant in COL7A1 gene has been previously reported in homozygous, heterozygous and compound heterozygous states in multiple individuals affected with Epidermolysis bullosa dystrophica Whittock et al., 1999; Alamani et al., 2010; Serafi et al., 2015. The p.Arg578Ter variant has been reported to segregated with disease Serafi et al., 2015. The p.Arg578Ter variant is reported with allele frequency of 0.03% in gnomAD Exomes and is novel not in any individuals in 1000 Genomes. This variant has been reported to the ClinVar database as Pathogenic multiple submissions. The nucleotide change c.1732C>T in COL7A1 is predicted as conserved by GERP++ and PhyloP across 100 vertebrates. This sequence change creates a premature translational stop signal p.Arg578Ter in the COL7A1 gene. This variant is predicted to cause loss of normal protein function through protein truncation. Loss of function variants in COL7A1 gene have been previously reported to be pathogenic Varki et al., 2007. For these reasons, this variant has been classified as Pathogenic.

PreventionGenetics, part of Exact Sciences
Classification: Pathogenic for COL7A1-related condition. Last evaluated: 2024-05-11. Review status: no assertion criteria provided. Collection method: clinical testing. Allele origin: germline. Not counted in ClinVar's aggregate classification.
Comment: The COL7A1 c.1732C>T variant is predicted to result in premature protein termination (p.Arg578*). This variant has been previously reported in the homozygous or compound heterozygous state in individuals with epidermolysis bullosa dystrophica (Dang et al. 2007. PubMed ID: 17425959; Table SII, Almaani et al. 2011. PubMed ID: 21448560; Serafi et al. 2015. PubMed ID: 26102279; Table S6, Rossi et al. 2021. PubMed ID: 33274474). This variant is reported in 0.0087% of alleles in individuals of Latino descent in gnomAD. Nonsense variants in COL7A1 are expected to be pathogenic. This variant is interpreted as pathogenic.

GeneReviews
No classification provided. Condition: Generalized dominant dystrophic epidermolysis bullosa. Review status: no classification provided. Collection method: literature only. Allele origin: germline. Not counted in ClinVar's aggregate classification.

Literature cited by the submitters: PubMed 16971478 (cited by Labcorp Genetics (formerly Invitae), Labcorp); PubMed 17425959 (cited by Labcorp Genetics (formerly Invitae), Labcorp); PubMed 26102279 (cited by Labcorp Genetics (formerly Invitae), Labcorp and Illumina Laboratory Services, Illumina); PubMed 10504458 (cited by Natera, Inc. and Illumina Laboratory Services, Illumina); PubMed 16484981 (cited by Natera, Inc. and Myriad Genetics, Inc.); PubMed 7833933 (cited by Centre of Medical Genetics, University Hospital Muenster and Illumina Laboratory Services, Illumina); PubMed 21471992 (cited by Illumina Laboratory Services, Illumina); PubMed 20357813 (cited by Illumina Laboratory Services, Illumina); PubMed 24032424 (cited by Illumina Laboratory Services, Illumina); PubMed 9242516 (cited by Illumina Laboratory Services, Illumina); PubMed 26763448 (cited by Illumina Laboratory Services, Illumina); PubMed 9326325 (cited by Illumina Laboratory Services, Illumina); PubMed 24947307 (cited by Illumina Laboratory Services, Illumina).